The following is an entry in ClinVar:

NM_021956.5(GRIK2):c.2226C>A (p.Ile742=)

Gene: GRIK2 (glutamate ionotropic receptor kainate type subunit 2; plus strand). Cytogenetic location: 6q16.3.
Variant type: single nucleotide variant.
Coding change: c.2226C>A on transcript NM_021956.5 (MANE Select); coding-DNA position 2226, C replaced by A.
Protein change: p.Ile742=; no amino-acid change (isoleucine 742 retained).
Molecular consequence: synonymous variant.
Genome position (GRCh38, 1-based): chr6:102,035,481, C>A. VCF-style: chr6-102035481-C-A. GRCh37 (hg19) VCF-style: chr6-102483356-C-A.
Other names: c.2226C>A, p.Ile742= (NM_001166247.1, NM_175768.3).
Identifiers: ClinVar variation 129172 (VCV000129172.7), dbSNP rs3213607, ClinGen allele CA153010.

ClinVar aggregate classification (germline): Benign. Review status: criteria provided, single submitter (1 of 4 stars). 2 submissions from 2 submitters: Benign (1). 1 of the submissions does not count toward it. Last evaluated 2024-11-26.

Allele frequency attached by ClinVar (database versions not stated): 1000 Genomes Project 0.06230; 1000 Genomes Project 30x 0.06277; ESP Exome Variant Server 0.06574; TOPMed 0.06622.
gnomAD v4.1: 105,406 of 1,608,300 alleles (6.6%); highest among the groups gnomAD compares: African/African-American, 8.1%; 3,612 homozygotes.

Submissions (2):

Blueprint Genetics
Classification: Benign. Last evaluated: 2024-11-26. Review status: criteria provided, single submitter. Criteria: ACMG Guidelines, 2015. Collection method: clinical testing. Allele origin: germline.

Genetic Services Laboratory, University of Chicago
Classification: Likely benign for AllHighlyPenetrant. Review status: no assertion criteria provided. Collection method: clinical testing. Allele origin: germline. Inheritance: Autosomal recessive inheritance. Not counted in ClinVar's aggregate classification.
Comment: Likely benign based on allele frequency in 1000 Genomes Project or ESP global frequency and its presence in a patient with a rare or unrelated disease phenotype. NOT Sanger confirmed.